The following is an entry in ClinVar:

ClinVar aggregate classification (germline): Uncertain significance. Review status: criteria provided, multiple submitters, no conflicts (2 of 4 stars). 2 submissions from 2 submitters: Uncertain significance (2). Last evaluated 2025-12-03.

Conditions:
Brugada syndrome. Also called: Sudden Unexplained Death Syndrome; Sudden Unexplained Nocturnal Death Syndrome (SUNDS); Sudden unexplained nocturnal death syndrome; Sudden unexpected nocturnal death syndrome. Identifiers: Orphanet 130, MedGen C1142166, MONDO:0015263.
Cardiovascular phenotype. Identifiers: MedGen CN230736.

Allele frequency attached by ClinVar (database versions not stated): gnomAD exomes 0.00001; ExAC 0.00002.
gnomAD v4.1: 11 of 1,614,146 alleles (0.00068%); highest among the groups gnomAD compares: Non-Finnish European, 0.00093%; no homozygotes.

Submissions (2):

Labcorp Genetics (formerly Invitae), Labcorp
Classification: Uncertain significance for Brugada syndrome. Last evaluated: 2025-12-03. Review status: criteria provided, single submitter. Criteria: Invitae Variant Classification Sherloc (09022015). Collection method: clinical testing. Allele origin: germline.
Comment: This sequence change creates a premature translational stop signal (p.Trp1135*) in the SCN10A gene. It is expected to result in an absent or disrupted protein product. However, the current clinical and genetic evidence is not sufficient to establish whether loss-of-function variants in SCN10A cause disease. This variant is present in population databases (rs753427557, gnomAD 0.003%). This variant has not been reported in the literature in individuals affected with SCN10A-related conditions. ClinVar contains an entry for this variant (Variation ID: 1731119). In summary, the available evidence is currently insufficient to determine the role of this variant in disease. Therefore, it has been classified as a Variant of Uncertain Significance.

Ambry Genetics
Classification: Uncertain significance for Cardiovascular phenotype. Last evaluated: 2020-01-24. Review status: criteria provided, single submitter. Criteria: Ambry Variant Classification Scheme 2023. Collection method: clinical testing. Allele origin: germline.
Comment: The p.W1135* variant (also known as c.3405G>A), located in coding exon 19 of the SCN10A gene, results from a G to A substitution at nucleotide position 3405. This changes the amino acid from a tryptophan to a stop codon within coding exon 19. This amino acid position is not well conserved in available vertebrate species. This alteration is expected to result in loss of function by premature protein truncation or nonsense-mediated mRNA decay. However, loss of function of SCN10A has not been clearly established as a mechanism of disease. Since supporting evidence is limited at this time, the clinical significance of this alteration remains unclear.

NM_006514.4(SCN10A):c.3405G>A (p.Trp1135Ter)

Genes: SCN10A (sodium voltage-gated channel alpha subunit 10; minus strand), LOC110121288 (VISTA enhancer hs2268; plus strand). Cytogenetic location: 3p22.2.
Variant type: single nucleotide variant.
Coding change: c.3405G>A on transcript NM_006514.4 (MANE Select); coding-DNA position 3405, G replaced by A.
Protein change: p.Trp1135Ter; replaces tryptophan 1135 with a stop codon.
Molecular consequence: nonsense.
Genome position (GRCh38, 1-based): chr3:38,722,360, C>T on the plus strand (G>A on the coding strand, the complement: SCN10A is on the minus strand). VCF-style: chr3-38722360-C-T. GRCh37 (hg19) VCF-style: chr3-38763851-C-T.
Other names: c.3402G>A, p.Trp1134Ter (NM_001293306.2); c.3111G>A, p.Trp1037Ter (NM_001293307.2); short protein forms W1134*, W1037*, W1135*.
Identifiers: ClinVar variation 1731119 (VCV001731119.3), dbSNP rs753427557, ClinGen allele CA2320244.